The following is an entry in ClinVar:

NM_000363.5(TNNI3):c.-15G>A

Gene: TNNI3 (troponin I3, cardiac type; minus strand). Cytogenetic location: 19q13.42.
Variant type: single nucleotide variant.
Coding change: c.-15G>A on transcript NM_000363.5 (MANE Select); 15 bases upstream of the start codon, G replaced by A.
Molecular consequence: 5 prime UTR variant.
Genome position (GRCh38, 1-based): chr19:55,157,604, C>T on the plus strand (G>A on the coding strand, the complement: TNNI3 is on the minus strand). VCF-style: chr19-55157604-C-T. GRCh37 (hg19) VCF-style: chr19-55668972-C-T.
Identifiers: ClinVar variation 3072902 (VCV003072902.2), dbSNP rs530600518, ClinGen allele CA050542.

ClinVar aggregate classification (germline): Uncertain significance. Review status: criteria provided, multiple submitters, no conflicts (2 of 4 stars). 2 submissions from 2 submitters: Uncertain significance (2). Last evaluated 2025-09-22.

Conditions:
Hypertrophic cardiomyopathy. Also called: HYPERTROPHIC MYOCARDIOPATHY. Identifiers: Orphanet 217569, MedGen C0007194, MeSH D002312, MONDO:0005045, HP:0001639.
Cardiomyopathy (CMYO). Also called: Cardiomyopathies. Identifiers: Orphanet 167848, MedGen C0878544, MONDO:0004994, HP:0001638. Inheritance: Various modes of inheritance.

Allele frequency attached by ClinVar (database versions not stated): ExAC 0.00003; 1000 Genomes Project 0.00020; 1000 Genomes Project 30x 0.00016.
gnomAD v4.1: 17 of 1,613,984 alleles (0.0011%); highest among the groups gnomAD compares: East Asian, 0.0089%; no homozygotes.

Submissions (2):

Color Diagnostics, LLC DBA Color Health
Classification: Uncertain significance for Cardiomyopathy. Last evaluated: 2025-09-22. Review status: criteria provided, single submitter. Criteria: ACMG Guidelines, 2015. Collection method: clinical testing. Allele origin: germline.
Comment: This variant causes a G to A nucleotide substitution at -15 position in the 5' untranslated region of the TNNI3 gene. To our knowledge, functional studies have not been reported for this variant. This variant has not been reported in individuals affected with TNNI3-related disorders in the literature. This variant has been identified in 5/249004 chromosomes in the general population by the Genome Aggregation Database (gnomAD). The available evidence is insufficient to determine the role of this variant in disease conclusively. Therefore, this variant is classified as a Variant of Uncertain Significance.

All of Us Research Program, National Institutes of Health
Classification: Uncertain significance for Hypertrophic cardiomyopathy. Last evaluated: 2023-08-15. Review status: criteria provided, single submitter. Criteria: ACMG Guidelines, 2015. Collection method: clinical testing. Allele origin: germline. Inheritance: Autosomal dominant inheritance. Observed: 1 variant allele, 1 heterozygote.
Comment: This variant is located in the 5' untranslated region of the TNNI3 gene. To our knowledge, functional studies have not been reported for this variant. This variant has not been reported in individuals affected with TNNI3-related disorders in the literature. This variant has been identified in 5/249004 chromosomes in the general population by the Genome Aggregation Database (gnomAD). The available evidence is insufficient to determine the role of this variant in disease conclusively. Therefore, this variant is classified as a Variant of Uncertain Significance.

This study involves interpretation of variants in research participants for the purpose of population health screening. Participant phenotype was not available at the time of variant classification. Additional details can be found in publication PMID: 35346344, PMCID: PMC8962531